The following is an entry in ClinVar:

NM_001165963.4(SCN1A):c.3260del (p.Gly1087fs)

Genes: SCN1A (sodium voltage-gated channel alpha subunit 1; minus strand), LOC102724058 (uncharacterized LOC102724058; plus strand). Cytogenetic location: 2q24.3.
Variant type: Deletion.
Coding change: c.3260del on transcript NM_001165963.4 (MANE Select); coding-DNA position 3260, one base deleted (G; older notation c.3260delG).
Protein change: p.Gly1087fs; shifts the reading frame from glycine 1087.
Molecular consequence: frameshift variant. On other transcripts: non-coding transcript variant (2).
Genome position (GRCh38, 1-based): chr2:166,036,217, C deleted on the plus strand (G on the coding strand, the reverse complement: SCN1A is on the minus strand); the first of 2 consecutive C bases (chr2:166,036,217-166,036,218); deleting either gives the same sequence. VCF-style (leftmost placement, unchanged base first): chr2-166036216-TC-T. GRCh37 (hg19) VCF-style: chr2-166892726-TC-T.
Other names: c.3176del, p.Gly1059fs (NM_001165964.3, NM_001353957.2, NM_001353958.2); c.3260del, p.Gly1087fs (NM_001202435.3, NM_001353948.2); c.3227del, p.Gly1076fs (NM_001353949.2, NM_001353950.2, NM_001353951.2 and 2 more transcripts); c.3224del, p.Gly1075fs (NM_001353954.2, NM_001353955.2); c.3173del, p.Gly1058fs (NM_001353960.2); c.818del, p.Gly273fs (NM_001353961.2); short protein forms G1058fs, G1059fs, G1076fs, G1087fs, G1075fs, G273fs.
Identifiers: ClinVar variation 1424351 (VCV001424351.7), dbSNP rs2105794716, ClinGen allele CA2573133490.

ClinVar aggregate classification (germline): Pathogenic (1 of 4 stars; one submission).

Conditions:
Early-infantile DEE. Also called: Ohtahara syndrome; Early infantile epileptic encephalopathy with suppression bursts; Early infantile epileptic encephalopathy. Identifiers: Orphanet 1934, MedGen C0393706, MONDO:0800491.

Submission:

Labcorp Genetics (formerly Invitae), Labcorp
Classification: Pathogenic for Early-infantile DEE. Last evaluated: 2022-07-27. Review status: criteria provided, single submitter. Criteria: Invitae Variant Classification Sherloc (09022015). Collection method: clinical testing. Allele origin: germline.
Comment: For these reasons, this variant has been classified as Pathogenic. ClinVar contains an entry for this variant (Variation ID: 1424351). This variant has not been reported in the literature in individuals affected with SCN1A-related conditions. This variant is not present in population databases (gnomAD no frequency). This sequence change creates a premature translational stop signal (p.Gly1087Glufs*20) in the SCN1A gene. It is expected to result in an absent or disrupted protein product. Loss-of-function variants in SCN1A are known to be pathogenic (PMID: 17347258, 18930999).

Literature cited by the submitters: PubMed 17347258; PubMed 18930999.